The following is an entry in ClinVar:

ClinVar aggregate classification (germline): Uncertain significance. Review status: criteria provided, multiple submitters, no conflicts (2 of 4 stars). 4 submissions from 4 submitters: Uncertain significance (4). Last evaluated 2026-08-13.

Conditions:
Ehlers-Danlos syndrome, type 4 (EDSVASC). Also called: Ehlers-Danlos syndrome vascular type; Ehlers Danlos syndrome, ecchymotic type; Ehlers Danlos syndrome, arterial type; Ehlers Danlos syndrome, Sack-Barabas type; Ehlers-Danlos Syndrome Type IV. Identifiers: Orphanet 286, MedGen C0268338, MONDO:0017314, OMIM 130050.
Familial thoracic aortic aneurysm and aortic dissection (TAAD). Also called: Thoracic aortic aneurysms and dissections. Identifiers: Orphanet 91387, MedGen C4707243, MONDO:0019625.

Allele frequency attached by ClinVar (database versions not stated): TOPMed below 0.00001; gnomAD 0.00001; gnomAD exomes 0.00001.
gnomAD v4.1: 8 of 1,613,438 alleles (0.0005%); highest among the groups gnomAD compares: Admixed American, 0.0017%; no homozygotes.

Submissions (4):

Ambry Genetics
Classification: Uncertain significance for Familial thoracic aortic aneurysm and aortic dissection. Last evaluated: 2026-08-13. Review status: criteria provided, single submitter. Criteria: Ambry Variant Classification Scheme 2023. Collection method: clinical testing. Allele origin: germline.
Comment: The p.R863C variant (also known as c.2587C>T), located in coding exon 37 of the COL3A1 gene, results from a C to T substitution at nucleotide position 2587. The arginine at codon 863 is replaced by cysteine, an amino acid with highly dissimilar properties. This amino acid position is highly conserved in available vertebrate species. In addition, this alteration is predicted to be deleterious by in silico analysis. Based on the available evidence, the clinical significance of this variant remains unclear.

Labcorp Genetics (formerly Invitae), Labcorp
Classification: Uncertain significance for Ehlers-Danlos syndrome, type 4. Last evaluated: 2024-02-10. Review status: criteria provided, single submitter. Criteria: Invitae Variant Classification Sherloc (09022015). Collection method: clinical testing. Allele origin: germline.
Comment: This sequence change replaces arginine, which is basic and polar, with cysteine, which is neutral and slightly polar, at codon 863 of the COL3A1 protein (p.Arg863Cys). This variant is present in population databases (rs568639668, gnomAD 0.002%). This variant has not been reported in the literature in individuals affected with COL3A1-related conditions. ClinVar contains an entry for this variant (Variation ID: 1307813). Advanced modeling of protein sequence and biophysical properties (such as structural, functional, and spatial information, amino acid conservation, physicochemical variation, residue mobility, and thermodynamic stability) has been performed at Invitae for this missense variant, however the output from this modeling did not meet the statistical confidence thresholds required to predict the impact of this variant on COL3A1 protein function. In summary, the available evidence is currently insufficient to determine the role of this variant in disease. Therefore, it has been classified as a Variant of Uncertain Significance.

All of Us Research Program, National Institutes of Health
Classification: Uncertain significance for Ehlers-Danlos syndrome, type 4. Last evaluated: 2023-08-23. Review status: criteria provided, single submitter. Criteria: ACMG Guidelines, 2015. Collection method: clinical testing. Allele origin: germline. Inheritance: Autosomal dominant inheritance. Observed: 1 variant allele, 1 heterozygote.
Comment: This missense variant replaces arginine with cysteine at codon 863 of the COL3A1 protein. Computational prediction suggests that this variant may have deleterious impact on protein structure and function (internally defined REVEL score threshold >= 0.7, PMID: 27666373). To our knowledge, functional studies have not been reported for this variant. This variant has not been reported in individuals affected with COL3A1-related disorders in the literature. This variant has been identified in 2/251334 chromosomes in the general population by the Genome Aggregation Database (gnomAD). The available evidence is insufficient to determine the role of this variant in disease conclusively. Therefore, this variant is classified as a Variant of Uncertain Significance.

This study involves interpretation of variants in research participants for the purpose of population health screening. Participant phenotype was not available at the time of variant classification. Additional details can be found in publication PMID: 35346344, PMCID: PMC8962531

GeneDx
Classification: Uncertain significance. Last evaluated: 2019-08-09. Review status: criteria provided, single submitter. Criteria: GeneDx Variant Classification Process June 2021. Collection method: clinical testing. Allele origin: germline. Affected: yes.
Comment: Not observed at a significant frequency in large population cohorts (Lek et al., 2016); In silico analysis, which includes protein predictors and evolutionary conservation, supports a deleterious effect; Has not been previously published as pathogenic or benign to our knowledge

NM_000090.4(COL3A1):c.2587C>T (p.Arg863Cys)

Gene: COL3A1 (collagen type III alpha 1 chain; plus strand). Cytogenetic location: 2q32.2.
Variant type: single nucleotide variant.
Coding change: c.2587C>T on transcript NM_000090.4 (MANE Select); coding-DNA position 2587, C replaced by T.
Protein change: p.Arg863Cys; replaces arginine 863 with cysteine.
Molecular consequence: missense variant.
Genome position (GRCh38, 1-based): chr2:189,003,444, C>T. VCF-style: chr2-189003444-C-T. GRCh37 (hg19) VCF-style: chr2-189868170-C-T.
Other names: short protein forms R863C.
Identifiers: ClinVar variation 1307813 (VCV001307813.6), dbSNP rs568639668, ClinGen allele CA62556688.